The following is an entry in ClinVar:

ClinVar aggregate classification (germline): Uncertain significance (1 of 4 stars; one submission).

Submission:

CeGaT Center for Human Genetics Tuebingen
Classification: Uncertain significance. Last evaluated: 2025-05-01. Review status: criteria provided, single submitter. Criteria: CeGaT Center For Human Genetics Tuebingen Variant Classification Criteria Version 2. Collection method: clinical testing. Allele origin: germline. Affected: yes. Observed: 1 variant allele.
Comment: SLC9A7: PM2, BP4

NM_001257291.2(SLC9A7):c.1659C>A (p.His553Gln)

Gene: SLC9A7 (solute carrier family 9 member A7; minus strand). Cytogenetic location: Xp11.3.
Variant type: single nucleotide variant.
Coding change: c.1659C>A on transcript NM_001257291.2 (MANE Select); coding-DNA position 1659, C replaced by A.
Protein change: p.His553Gln; replaces histidine 553 with glutamine.
Molecular consequence: missense variant.
Genome position (GRCh38, 1-based): chrX:46,635,606, G>T on the plus strand (C>A on the coding strand, the complement: SLC9A7 is on the minus strand). VCF-style: chrX-46635606-G-T. GRCh37 (hg19) VCF-style: chrX-46495041-G-T.
Other names: c.1656C>A, p.His552Gln (NM_032591.3); short protein forms H552Q, H553Q.
Identifiers: ClinVar variation 3905827 (VCV003905827.10).